The following is an entry in ClinVar:

NM_213655.5(WNK1):c.2281G>C (p.Glu761Gln)

Gene: WNK1 (WNK lysine deficient protein kinase 1; plus strand). Cytogenetic location: 12p13.33.
Variant type: single nucleotide variant.
Coding change: c.2281G>C on transcript NM_213655.5 (MANE Plus Clinical); coding-DNA position 2281, G replaced by C.
Protein change: p.Glu761Gln; replaces glutamic acid 761 with glutamine.
Molecular consequence: missense variant. On other transcripts: intron variant (3).
Genome position (GRCh38, 1-based): chr12:865,251, G>C. VCF-style: chr12-865251-G-C. GRCh37 (hg19) VCF-style: chr12-974417-G-C.
Other names: c.2140-2615G>C (NM_001184985.2); c.2139+2981G>C (NM_018979.4, NM_014823.3); short protein forms E761Q.
Identifiers: ClinVar variation 3753826 (VCV003753826.2).

ClinVar aggregate classification (germline): Uncertain significance (1 of 4 stars; one submission).

Conditions:
Neuropathy, hereditary sensory and autonomic, type 2A (HSAN2A). Also called: ACROOSTEOLYSIS, GIACCAI TYPE; ACROOSTEOLYSIS, NEUROGENIC; MORVAN DISEASE; NEUROPATHY, CONGENITAL SENSORY; NEUROPATHY, HEREDITARY SENSORY RADICULAR, AUTOSOMAL RECESSIVE; NEUROPATHY, HEREDITARY SENSORY, TYPE IIA. Identifiers: Orphanet 970, MedGen C2752089, MONDO:0024309, OMIM 201300.
Pseudohypoaldosteronism type 2C (PHA2C). Also called: Pseudohypoaldosteronism Type IIC. Identifiers: Orphanet 757, Orphanet 88940, MedGen C1840391, MONDO:0013778, OMIM 614492.

gnomAD v4.1: 2 of 1,535,996 alleles (0.00013%); highest among the groups gnomAD compares: Admixed American, 0.002%; no homozygotes.

Submission:

Labcorp Genetics (formerly Invitae), Labcorp
Classification: Uncertain significance for Neuropathy, hereditary sensory and autonomic, type 2A; Pseudohypoaldosteronism type 2C. Last evaluated: 2024-11-01. Review status: criteria provided, single submitter. Criteria: Invitae Variant Classification Sherloc (09022015). Collection method: clinical testing. Allele origin: germline.
Comment: This sequence change replaces glutamic acid, which is acidic and polar, with glutamine, which is neutral and polar, at codon 761 of the WNK1 protein (p.Glu761Gln). This variant is present in population databases (no rsID available, gnomAD 0.004%). This variant has not been reported in the literature in individuals affected with WNK1-related conditions. Invitae Evidence Modeling of protein sequence and biophysical properties (such as structural, functional, and spatial information, amino acid conservation, physicochemical variation, residue mobility, and thermodynamic stability) indicates that this missense variant is not expected to disrupt WNK1 protein function with a negative predictive value of 95%. In summary, the available evidence is currently insufficient to determine the role of this variant in disease. Therefore, it has been classified as a Variant of Uncertain Significance.